The following is an entry in ClinVar:

ClinVar aggregate classification (germline): Uncertain significance (1 of 4 stars; one submission).

gnomAD v4.1: 14 of 1,614,078 alleles (0.00087%); highest among the groups gnomAD compares: East Asian, 0.0022%; no homozygotes.

Submission:

Labcorp Genetics (formerly Invitae), Labcorp
Classification: Uncertain significance. Last evaluated: 2025-11-19. Review status: criteria provided, single submitter. Criteria: Invitae Variant Classification Sherloc (09022015). Collection method: clinical testing. Allele origin: germline.
Comment: This sequence change replaces serine, which is neutral and polar, with leucine, which is neutral and non-polar, at codon 470 of the CRAT protein (p.Ser470Leu). This variant is present in population databases (rs769466139, gnomAD 0.0009%). This variant has not been reported in the literature in individuals affected with CRAT-related conditions. Invitae Evidence Modeling of protein sequence and biophysical properties (such as structural, functional, and spatial information, amino acid conservation, physicochemical variation, residue mobility, and thermodynamic stability) indicates that this missense variant is not expected to disrupt CRAT protein function with a negative predictive value of 80%. In summary, the available evidence is currently insufficient to determine the role of this variant in disease. Therefore, it has been classified as a Variant of Uncertain Significance.

NM_000755.5(CRAT):c.1409C>T (p.Ser470Leu)

Gene: CRAT (carnitine O-acetyltransferase; minus strand). Cytogenetic location: 9q34.11.
Variant type: single nucleotide variant.
Coding change: c.1409C>T on transcript NM_000755.5 (MANE Select); coding-DNA position 1409, C replaced by T.
Protein change: p.Ser470Leu; replaces serine 470 with leucine.
Molecular consequence: missense variant.
Genome position (GRCh38, 1-based): chr9:129,098,068, G>A on the plus strand (C>T on the coding strand, the complement: CRAT is on the minus strand). VCF-style: chr9-129098068-G-A. GRCh37 (hg19) VCF-style: chr9-131860347-G-A.
Other names: c.1346C>T, p.Ser449Leu (NM_001257363.3, NM_001346548.2, NM_004003.4); c.1412C>T, p.Ser471Leu (NM_001346546.2); c.1409C>T, p.Ser470Leu (NM_001346547.2); c.1289C>T, p.Ser430Leu (NM_001346549.2); short protein forms S471L, S470L, S430L, S449L.
Identifiers: ClinVar variation 4690649 (VCV004690649.1).
Genomic context (GRCh38, chr9:129,098,068, plus strand): 5'-CTCACCGTGACGCTGGAGTCATCCATGGCCTTGACAAAGGTGAGTGAGTCCATGGAAGCC[G>A]AGCGGATGGTGTCGGTGCGGCCCAGGTGAAACATGCGCAGGGAGGCACTTTCATAGGTGG-3'
Protein context (NP_000746.3, residues 460-480): FHLGRTDTIR[Ser470Leu]ASMDSLTFVK